The following is an entry in ClinVar:

ClinVar aggregate classification (germline): Uncertain significance (1 of 4 stars; one submission).

Allele frequency attached by ClinVar (database versions not stated): gnomAD exomes below 0.00001.

Submission:

Labcorp Genetics (formerly Invitae), Labcorp
Classification: Uncertain significance. Last evaluated: 2022-05-03. Review status: criteria provided, single submitter. Criteria: Invitae Variant Classification Sherloc (09022015). Collection method: clinical testing. Allele origin: germline.
Comment: This sequence change replaces valine, which is neutral and non-polar, with methionine, which is neutral and non-polar, at codon 127 of the MCM4 protein (p.Val127Met). This variant is present in population databases (rs201564173, gnomAD 0.0009%). This variant has not been reported in the literature in individuals affected with MCM4-related conditions. Algorithms developed to predict the effect of missense changes on protein structure and function are either unavailable or do not agree on the potential impact of this missense change (SIFT: "Deleterious"; PolyPhen-2: "Possibly Damaging"; Align-GVGD: "Class C0"). In summary, the available evidence is currently insufficient to determine the role of this variant in disease. Therefore, it has been classified as a Variant of Uncertain Significance.

NM_182746.3(MCM4):c.379G>A (p.Val127Met)

Gene: MCM4 (minichromosome maintenance complex component 4; plus strand). Cytogenetic location: 8q11.21.
Variant type: single nucleotide variant.
Coding change: c.379G>A on transcript NM_182746.3 (MANE Select); coding-DNA position 379, G replaced by A.
Protein change: p.Val127Met; replaces valine 127 with methionine.
Molecular consequence: missense variant.
Genome position (GRCh38, 1-based): chr8:47,962,196, G>A. VCF-style: chr8-47962196-G-A. GRCh37 (hg19) VCF-style: chr8-48874756-G-A.
Other names: c.379G>A, p.Val127Met (NM_005914.4); short protein forms V127M.
Identifiers: ClinVar variation 1496337 (VCV001496337.3), dbSNP rs201564173, ClinGen allele CA176154816.
Genomic context (GRCh38, chr8:47,962,196, plus strand): 5'-GTTAGGGGCACACCTGTGAGACAGAGGCCTGACCTGGGCTCTGCACAGAAGGGCCTGCAA[G>A]TGGATCTGCAGTCTGACGGGGTGAGTATGCAGTCTCCTGAAACCATCTTATGGCGGGTAT-3'
Protein context (NP_877423.1, residues 117-137): DLGSAQKGLQ[Val127Met]DLQSDGAAAE